The following continues an entry in ClinVar:

NM_000051.4(ATM):c.2771G>A (p.Arg924Gln)

Gene: ATM. ClinVar aggregate classification (germline): Uncertain significance. Uncertain significance (12).

Submissions 11 to 15 of 15:

Department of Pathology and Laboratory Medicine, Sinai Health System
Classification: Uncertain significance for Familial colorectal cancer type X. Last evaluated: 2019-12-23. Review status: criteria provided, single submitter. Criteria: ACMG Guidelines, 2015. Collection method: clinical testing. Allele origin: germline. Affected: yes.

Cancer Genomics Group, Japanese Foundation For Cancer Research
Classification: Uncertain significance for Hereditary breast and ovarian cancer syndrome. Last evaluated: 2019-05-01. Review status: criteria provided, single submitter. Criteria: ACMG Guidelines, 2015. Collection method: research. Allele origin: germline. Affected: yes.

PreventionGenetics, part of Exact Sciences
Classification: Uncertain significance for ATM-related condition. Last evaluated: 2024-04-27. Review status: no assertion criteria provided. Collection method: clinical testing. Allele origin: germline. Not counted in ClinVar's aggregate classification.
Comment: The ATM c.2771G>A variant is predicted to result in the amino acid substitution p.Arg924Gln. This variant was reported in individuals with breast/biliary tract cancer (Table S2, Tavtigian et al. 2009. PubMed ID: 19781682; Table SD1, Momozawa et al. 2018. PubMed ID: 30287823; Tbale S1, Adedokun et al. 2019. PubMed ID: 31871109; Table S2, Okawa et al. 2022. PubMed ID: 36243179). This variant is reported in 0.039% of alleles in individuals of South Asian descent in gnomAD. In ClinVar, this variant is interpreted as uncertain. At this time, the clinical significance of this variant is uncertain due to the absence of conclusive functional and genetic evidence.

Natera, Inc.
Classification: Uncertain significance for Ataxia-telangiectasia. Last evaluated: 2020-03-20. Review status: no assertion criteria provided. Collection method: clinical testing. Allele origin: germline. Not counted in ClinVar's aggregate classification.

Department of Pediatrics, Samsung Medical Center, Samsung Medical Center
Classification: Uncertain significance for Microcephaly. Review status: no assertion criteria provided. Criteria: ACMG Guidelines, 2015. Collection method: research. Allele origin: germline. Affected: yes. Not counted in ClinVar's aggregate classification.

Literature cited by the submitters: PubMed 19781682 (cited by 5 submitters); PubMed 30287823 (cited by 5 submitters); PubMed 31871109 (cited by 4 submitters); PubMed 32068069 (cited by 3 submitters); PubMed 36243179 (cited by Women's Health and Genetics/Laboratory Corporation of America, LabCorp); PubMed 33471991 (cited by Color Diagnostics, LLC DBA Color Health).